The following is an entry in ClinVar:

NM_018418.5(SPATA7):c.1582del (p.Ser528fs)

Gene: SPATA7 (spermatogenesis associated 7; plus strand). Cytogenetic location: 14q31.3.
Variant type: Deletion.
Coding change: c.1582del on transcript NM_018418.5 (MANE Select); coding-DNA position 1582, one base deleted (T; older notation c.1582delT).
Protein change: p.Ser528fs; shifts the reading frame from serine 528.
Molecular consequence: frameshift variant.
Genome position (GRCh38, 1-based): chr14:88,438,204, T deleted; the last of 3 consecutive T bases (chr14:88,438,202-88,438,204); deleting any one gives the same sequence. VCF-style (leftmost placement, unchanged base first): chr14-88438201-AT-A. GRCh37 (hg19) VCF-style: chr14-88904545-AT-A.
Other names: c.1486del, p.Ser496fs (NM_001040428.4); short protein forms S496fs, S528fs.
Identifiers: ClinVar variation 2501235 (VCV002501235.1), dbSNP rs1380373915, ClinGen allele CA709619565.
Genomic context (GRCh38, chr14:88,438,201, plus strand): 5'-CAACAGGTGAATGATGAAACAAATCTTGAAACTTCAACTTTGGATGAAAATCATCCAAGT[AT>A]TTCAGACAGTTTAACAGATCGGGAAACTTCTGTGAATGTCATTGAAGGTGATAGTGACCC-3'

ClinVar aggregate classification (germline): Uncertain significance (1 of 4 stars; one submission).

Submission:

Women's Health and Genetics/Laboratory Corporation of America, LabCorp
Classification: Uncertain significance. Last evaluated: 2023-03-10. Review status: criteria provided, single submitter. Criteria: LabCorp Variant Classification Summary - May 2015. Collection method: clinical testing. Allele origin: germline.
Comment: Variant summary: SPATA7 c.1582delT (p.Ser528GlnfsX4) results in a premature termination codon in the last exon, thus it is not expected to result in nonsense mediated decay (NMD), but is predicted to cause a truncation of the encoded protein, removing a part of the 599 amino acid long protein. To our knowledge, no truncations downstream of this position have been reported in individuals affected with Leber Congenital Amaurosis (HGMD, ClinVar). The variant was absent in 250634 control chromosomes (gnomAD). The variant, c.1582delT, has been reported in the literature in an individual affected with developmental / epileptic encephalopathy, however this patient also carried another potentially pathogenic variant (Takata_2019). This report does not provide unequivocal conclusions about association of the variant with Leber Congenital Amaurosis. To our knowledge, no experimental evidence demonstrating an impact on protein function has been reported. No clinical diagnostic laboratories have submitted clinical-significance assessments for this variant to ClinVar after 2014. Based on the evidence outlined above, the variant was classified as uncertain significance.

Literature cited by the submitters: PubMed 31964843; PubMed 31175295.